The following is an entry in ClinVar:

ClinVar aggregate classification (germline): Pathogenic (1 of 4 stars; one submission).

Conditions:
Glycine encephalopathy. Also called: Nonketotic hyperglycinemia; Non-ketotic hyperglycinemia. Identifiers: Orphanet 407, MedGen C0751748, MONDO:0011612, HP:0008288.

Submission:

Labcorp Genetics (formerly Invitae), Labcorp
Classification: Pathogenic for Non-ketotic hyperglycinemia. Last evaluated: 2019-10-01. Review status: criteria provided, single submitter. Criteria: Invitae Variant Classification Sherloc (09022015). Collection method: clinical testing. Allele origin: germline.
Comment: This variant results in a copy number gain of the genomic region encompassing exons 5-15 of the GLDC gene. While the exact position of this variant cannot be determined from this data, sub-genic copy number gains are generally in tandem (PMID: 25640679). This variant would be expected to be in-frame, preserving the integrity of the reading frame. This variant has been observed in combination with another GLDC variant in individuals affected with glycine encephalopathy (PMID: 27362913). This variant disrupts the p.His580, p.Arg515 and p.Cys382 amino acid residues in GLDC. Other variant(s) that disrupt these residues have been determined to be pathogenic (PMID: 273629130, 10873393, 17361008, 12126939, 11286506, 26179960, 27362913). This suggests that this residue is clinically significant, and that variants that disrupt this residue are likely to be disease-causing. For these reasons, this variant has been classified as Pathogenic.

Literature cited by the submitters: PubMed 12126939; PubMed 27362913; PubMed 10873393; PubMed 17361008; PubMed 273629130; PubMed 11286506; PubMed 26179960.

NC_000009.12:g.(?_6587131)_(6606679_?)del

Gene: GLDC (glycine decarboxylase; minus strand). Cytogenetic location: 9p24.1.
Variant type: Deletion.
Identifiers: ClinVar variation 833360 (VCV000833360.1).